The following is an entry in ClinVar:

ClinVar aggregate classification (germline): Benign/Likely benign. Review status: criteria provided, multiple submitters, no conflicts (2 of 4 stars). 5 submissions from 5 submitters: Benign (1); Likely benign (4). Last evaluated 2026-01-12.

Conditions:
Hereditary cancer-predisposing syndrome. Also called: Neoplastic Syndromes, Hereditary; Tumor predisposition; Hereditary Cancer Syndrome; Hereditary neoplastic syndrome. Identifiers: Orphanet 140162, MedGen C0027672, MeSH D009386, MONDO:0015356.
Multiple endocrine neoplasia type 4. Also called: MULTIPLE ENDOCRINE NEOPLASIA, TYPE IV. Identifiers: Orphanet 276152, MedGen C1970712, MONDO:0012552, OMIM 610755.
CDKN1B-related disorder. Also called: CDKN1B-related condition.

Allele frequency attached by ClinVar (database versions not stated): gnomAD 0.00001; TOPMed 0.00001; ExAC 0.00005.
gnomAD v4.1: 23 of 1,614,084 alleles (0.0014%); highest among the groups gnomAD compares: Admixed American, 0.017%; no homozygotes.

Submissions (5):

Labcorp Genetics (formerly Invitae), Labcorp
Classification: Likely benign for Multiple endocrine neoplasia type 4. Last evaluated: 2026-01-12. Review status: criteria provided, single submitter. Criteria: Invitae Variant Classification Sherloc (09022015). Collection method: clinical testing. Allele origin: germline.

PreventionGenetics, part of Exact Sciences
Classification: Likely benign for CDKN1B-related condition. Last evaluated: 2025-08-20. Review status: criteria provided, single submitter. Criteria: ACMG Guidelines, 2015. Collection method: clinical testing. Allele origin: germline.
Comment: This variant is classified as likely benign based on ACMG/AMP sequence variant interpretation guidelines (Richards et al. 2015 PMID: 25741868, with internal and published modifications).

Blueprint Genetics
Classification: Likely benign. Last evaluated: 2024-03-22. Review status: criteria provided, single submitter. Criteria: ACMG Guidelines, 2015. Collection method: clinical testing. Allele origin: germline.

Quest Diagnostics Nichols Institute San Juan Capistrano
Classification: Benign. Last evaluated: 2023-01-18. Review status: criteria provided, single submitter. Criteria: Quest Diagnostics criteria. Collection method: clinical testing. Allele origin: unknown.

Ambry Genetics
Classification: Likely benign for Hereditary cancer-predisposing syndrome. Last evaluated: 2021-09-07. Review status: criteria provided, single submitter. Criteria: Ambry Variant Classification Scheme 2023. Collection method: clinical testing. Allele origin: germline.

NM_004064.5(CDKN1B):c.282C>T (p.Pro94=)

Gene: CDKN1B (cyclin dependent kinase inhibitor 1B; plus strand). Cytogenetic location: 12p13.1.
Variant type: single nucleotide variant.
Coding change: c.282C>T on transcript NM_004064.5 (MANE Select); coding-DNA position 282, C replaced by T.
Protein change: p.Pro94=; no amino-acid change (proline 94 retained).
Molecular consequence: synonymous variant.
Genome position (GRCh38, 1-based): chr12:12,718,121, C>T. VCF-style: chr12-12718121-C-T. GRCh37 (hg19) VCF-style: chr12-12871055-C-T.
Identifiers: ClinVar variation 702505 (VCV000702505.16), dbSNP rs751288223, ClinGen allele CA6457446.
Genomic context (GRCh38, chr12:12,718,121, plus strand): 5'-CGAGTGGCAAGAGGTGGAGAAGGGCAGCTTGCCCGAGTTCTACTACAGACCCCCGCGGCC[C>T]CCCAAAGGTGCCTGCAAGGTGCCGGCGCAGGAGAGCCAGGATGTCAGCGGGAGCCGCCCG-3'
Protein context (NP_004055.1, residues 84-104): LPEFYYRPPR[Pro94=]PKGACKVPAQ